The following is an entry in ClinVar:

ClinVar aggregate classification (germline): Uncertain significance (1 of 4 stars; one submission).

Conditions:
Familial thoracic aortic aneurysm and aortic dissection (TAAD). Also called: Thoracic aortic aneurysms and dissections. Identifiers: Orphanet 91387, MedGen C4707243, MONDO:0019625.

Submission:

Color Diagnostics, LLC DBA Color Health
Classification: Uncertain significance for Familial thoracic aortic aneurysm and aortic dissection. Last evaluated: 2024-03-06. Review status: criteria provided, single submitter. Criteria: ACMG Guidelines, 2015. Collection method: clinical testing. Allele origin: germline.
Comment: This missense variant replaces methionine with leucine at codon 79 of the MYH11 protein. Computational prediction suggests that this variant may not impact protein structure and function (internally defined REVEL score threshold <= 0.5, PMID: 27666373). To our knowledge, functional studies have not been reported for this variant. This variant has not been reported in individuals affected with cardiovascular disorders in the literature. This variant has not been identified in the general population by the Genome Aggregation Database (gnomAD). The available evidence is insufficient to determine the role of this variant in disease conclusively. Therefore, this variant is classified as a Variant of Uncertain Significance.

NM_002474.3(MYH11):c.235A>C (p.Met79Leu)

Gene: MYH11 (myosin heavy chain 11; minus strand). Cytogenetic location: 16p13.11.
Variant type: single nucleotide variant.
Coding change: c.235A>C on transcript NM_002474.3 (MANE Select); coding-DNA position 235, A replaced by C.
Protein change: p.Met79Leu; replaces methionine 79 with leucine.
Molecular consequence: missense variant.
Genome position (GRCh38, 1-based): chr16:15,838,018, T>G on the plus strand (A>C on the coding strand, the complement: MYH11 is on the minus strand). VCF-style: chr16-15838018-T-G. GRCh37 (hg19) VCF-style: chr16-15931875-T-G.
Other names: c.235A>C, p.Met79Leu (NM_001040113.2, NM_001040114.2, NM_022844.3); short protein forms M79L.
Identifiers: ClinVar variation 1171110 (VCV001171110.3), dbSNP rs2151381331, ClinGen allele CA395198379.